The following is an entry in ClinVar:

NM_173354.5(SIK1):c.1945A>C (p.Ser649Arg)

Gene: SIK1 (salt inducible kinase 1; minus strand). Cytogenetic location: 21q22.3.
Variant type: single nucleotide variant.
Coding change: c.1945A>C on transcript NM_173354.5 (MANE Select); coding-DNA position 1945, A replaced by C.
Protein change: p.Ser649Arg; replaces serine 649 with arginine.
Molecular consequence: missense variant.
Genome position (GRCh38, 1-based): chr21:43,417,574, T>G on the plus strand (A>C on the coding strand, the complement: SIK1 is on the minus strand). VCF-style: chr21-43417574-T-G. GRCh37 (hg19) VCF-style: chr21-44837454-T-G.
Other names: short protein forms S649R.
Identifiers: ClinVar variation 2789347 (VCV002789347.3), dbSNP rs2516964445, ClinGen allele CA410606987.
Genomic context (GRCh38, chr21:43,417,574, plus strand): 5'-CGGGGTCCCAGGGCGGGGGCAGGCCCTACCTCTGCTGCTCTAGCACCTCCTCCAGCAGGC[T>G]CCAGCCCTCCCGGCTGCCGGCTGCGCCGCCGTGCAGGCCTGGGCTCTGTGCAGGGGCGTG-3'
Protein context (NP_775490.2, residues 639-659): GGAAGSREGW[Ser649Arg]LLEEVLEQQR

ClinVar aggregate classification (germline): Uncertain significance (1 of 4 stars; one submission).

Conditions:
Developmental and epileptic encephalopathy, 30 (DEE30). Also called: Epileptic encephalopathy, early infantile, 30. Identifiers: MedGen C4225360, MONDO:0014595, OMIM 616341.

Submission:

Labcorp Genetics (formerly Invitae), Labcorp
Classification: Uncertain significance for Developmental and epileptic encephalopathy, 30. Last evaluated: 2023-10-16. Review status: criteria provided, single submitter. Criteria: Invitae Variant Classification Sherloc (09022015). Collection method: clinical testing. Allele origin: germline.
Comment: This sequence change replaces serine, which is neutral and polar, with arginine, which is basic and polar, at codon 649 of the SIK1 protein (p.Ser649Arg). This variant is not present in population databases (gnomAD no frequency). This variant has not been reported in the literature in individuals affected with SIK1-related conditions. Advanced modeling of protein sequence and biophysical properties (such as structural, functional, and spatial information, amino acid conservation, physicochemical variation, residue mobility, and thermodynamic stability) performed at Invitae indicates that this missense variant is not expected to disrupt SIK1 protein function. In summary, the available evidence is currently insufficient to determine the role of this variant in disease. Therefore, it has been classified as a Variant of Uncertain Significance.